The following is an entry in ClinVar:

NM_006514.4(SCN10A):c.4389C>A (p.Asn1463Lys)

Gene: SCN10A (sodium voltage-gated channel alpha subunit 10; minus strand). Cytogenetic location: 3p22.2.
Variant type: single nucleotide variant.
Coding change: c.4389C>A on transcript NM_006514.4 (MANE Select); coding-DNA position 4389, C replaced by A.
Protein change: p.Asn1463Lys; replaces asparagine 1463 with lysine.
Molecular consequence: missense variant.
Genome position (GRCh38, 1-based): chr3:38,702,107, G>T on the plus strand (C>A on the coding strand, the complement: SCN10A is on the minus strand). VCF-style: chr3-38702107-G-T. GRCh37 (hg19) VCF-style: chr3-38743598-G-T.
Other names: c.4386C>A, p.Asn1462Lys (NM_001293306.2); c.4095C>A, p.Asn1365Lys (NM_001293307.2); short protein forms N1365K, N1462K, N1463K.
Identifiers: ClinVar variation 2563704 (VCV002563704.2), dbSNP rs929977747, ClinGen allele CA352147359.

ClinVar aggregate classification (germline): Uncertain significance (1 of 4 stars; one submission).

Conditions:
Cardiovascular phenotype. Identifiers: MedGen CN230736.

Submission:

Ambry Genetics
Classification: Uncertain significance for Cardiovascular phenotype. Last evaluated: 2023-04-14. Review status: criteria provided, single submitter. Criteria: Ambry Variant Classification Scheme 2023. Collection method: clinical testing. Allele origin: germline.
Comment: The p.N1463K variant (also known as c.4389C>A), located in coding exon 26 of the SCN10A gene, results from a C to A substitution at nucleotide position 4389. The asparagine at codon 1463 is replaced by lysine, an amino acid with similar properties. This amino acid position is conserved. In addition, the in silico prediction for this alteration is inconclusive. Since supporting evidence is limited at this time, the clinical significance of this alteration remains unclear.